The following is an entry in ClinVar:

NM_005422.4(TECTA):c.1391A>G (p.Tyr464Cys)

Genes: TBCEL-TECTA (TBCEL-TECTA readthrough; plus strand), TECTA (tectorin alpha; plus strand). Cytogenetic location: 11q23.3.
Variant type: single nucleotide variant.
Coding change: c.1391A>G on transcript NM_005422.4 (MANE Select); coding-DNA position 1391, A replaced by G.
Protein change: p.Tyr464Cys; replaces tyrosine 464 with cysteine.
Molecular consequence: missense variant.
Genome position (GRCh38, 1-based): chr11:121,125,489, A>G. VCF-style: chr11-121125489-A-G. GRCh37 (hg19) VCF-style: chr11-120996198-A-G.
Other names: c.2348A>G, p.Tyr783Cys (NM_001378761.1); short protein forms Y783C, Y464C.
Identifiers: ClinVar variation 1345003 (VCV001345003.9), dbSNP rs139269834, ClinGen allele CA6326738.

ClinVar aggregate classification (germline): Uncertain significance. Review status: criteria provided, multiple submitters, no conflicts (2 of 4 stars). 6 submissions from 6 submitters: Uncertain significance (6). Last evaluated 2025-08-06.

Conditions:
Inborn genetic diseases. Identifiers: MedGen C0950123, MeSH D030342.
TECTA-related disorder. Also called: TECTA-related condition.
Autosomal dominant nonsyndromic hearing loss 12. Also called: DEAFNESS, AUTOSOMAL DOMINANT 8. Identifiers: Orphanet 90635, MedGen C1832187, MONDO:0011102, OMIM 601543.
Autosomal recessive nonsyndromic hearing loss 21. Identifiers: Orphanet 90636, MedGen C1863655, MONDO:0011351, OMIM 603629.

Allele frequency attached by ClinVar (database versions not stated): ExAC 0.00004; gnomAD exomes 0.00005; gnomAD 0.00006 and 0.00007; TOPMed 0.00008; ESP Exome Variant Server 0.00015.
gnomAD v4.1: 82 of 1,614,078 alleles (0.0051%); highest among the groups gnomAD compares: Non-Finnish European, 0.0065%; no homozygotes.

Submissions (6):

PreventionGenetics, part of Exact Sciences
Classification: Uncertain significance for TECTA-related condition. Last evaluated: 2025-08-06. Review status: criteria provided, single submitter. Criteria: ACMG Guidelines, 2015. Collection method: clinical testing. Allele origin: germline.
Comment: The TECTA c.1391A>G variant is predicted to result in the amino acid substitution p.Tyr464Cys. To our knowledge, this variant has not been reported in the literature. This variant is reported in 0.011% of alleles in individuals of European (Non-Finnish) descent in gnomAD. Although we suspect that this variant may be benign, at this time, the clinical significance of this variant is uncertain due to the absence of conclusive functional and genetic evidence.

Ambry Genetics
Classification: Uncertain significance for Inborn genetic diseases. Last evaluated: 2025-02-14. Review status: criteria provided, single submitter. Criteria: Ambry Variant Classification Scheme 2023. Collection method: clinical testing. Allele origin: germline.

Labcorp Genetics (formerly Invitae), Labcorp
Classification: Uncertain significance. Last evaluated: 2023-07-29. Review status: criteria provided, single submitter. Criteria: Invitae Variant Classification Sherloc (09022015). Collection method: clinical testing. Allele origin: germline.
Comment: This sequence change replaces tyrosine, which is neutral and polar, with cysteine, which is neutral and slightly polar, at codon 464 of the TECTA protein (p.Tyr464Cys). This variant is present in population databases (rs139269834, gnomAD 0.01%). This variant has not been reported in the literature in individuals affected with TECTA-related conditions. ClinVar contains an entry for this variant (Variation ID: 1345003). Advanced modeling of protein sequence and biophysical properties (such as structural, functional, and spatial information, amino acid conservation, physicochemical variation, residue mobility, and thermodynamic stability) performed at Invitae indicates that this missense variant is not expected to disrupt TECTA protein function. In summary, the available evidence is currently insufficient to determine the role of this variant in disease. Therefore, it has been classified as a Variant of Uncertain Significance.

GeneDx
Classification: Uncertain significance. Last evaluated: 2023-06-02. Review status: criteria provided, single submitter. Criteria: GeneDx Variant Classification Process June 2021. Collection method: clinical testing. Allele origin: germline. Affected: yes.
Comment: In silico analysis supports that this missense variant has a deleterious effect on protein structure/function; Has not been previously published as pathogenic or benign to our knowledge; This variant is associated with the following publications: (PMID: 21520338, 31554319, 9590290)

Department of Pathology and Laboratory Medicine, Sinai Health System
Classification: Uncertain significance for Autosomal dominant nonsyndromic hearing loss 12; Autosomal recessive nonsyndromic hearing loss 21. Last evaluated: 2022-05-02. Review status: criteria provided, single submitter. Criteria: ACMG Guidelines, 2015. Collection method: research. Allele origin: germline.

Fulgent Genetics
Classification: Uncertain significance for Autosomal dominant nonsyndromic hearing loss 12; Autosomal recessive nonsyndromic hearing loss 21. Last evaluated: 2021-09-24. Review status: criteria provided, single submitter. Criteria: ACMG Guidelines, 2015. Collection method: clinical testing. Allele origin: unknown.